The following is an entry in ClinVar:

NM_003802.3(MYH13):c.2539G>A (p.Ala847Thr)

Gene: MYH13 (myosin heavy chain 13; minus strand). Cytogenetic location: 17p13.1.
Variant type: single nucleotide variant.
Coding change: c.2539G>A on transcript NM_003802.3 (MANE Select); coding-DNA position 2539, G replaced by A.
Protein change: p.Ala847Thr; replaces alanine 847 with threonine.
Molecular consequence: missense variant.
Genome position (GRCh38, 1-based): chr17:10,328,018, C>T on the plus strand (G>A on the coding strand, the complement: MYH13 is on the minus strand). VCF-style: chr17-10328018-C-T. GRCh37 (hg19) VCF-style: chr17-10231335-C-T.
Other names: short protein forms A847T.
Identifiers: ClinVar variation 4083654 (VCV004083654.8).

ClinVar aggregate classification (germline): Likely benign (1 of 4 stars; one submission).

gnomAD v4.1: 13,492 of 1,614,152 alleles (0.84%); highest among the groups gnomAD compares: Non-Finnish European, 0.98%; 81 homozygotes.

Submission:

CeGaT Center for Human Genetics Tuebingen
Classification: Likely benign. Last evaluated: 2025-11-01. Review status: criteria provided, single submitter. Criteria: CeGaT Center For Human Genetics Tuebingen Variant Classification Criteria Version 2. Collection method: clinical testing. Allele origin: germline. Affected: yes. Observed: 2 variant alleles.
Comment: MYH13: BS2